The following is an entry in ClinVar:

ClinVar aggregate classification (germline): Likely benign (1 of 4 stars; one submission).

Allele frequency attached by ClinVar (database versions not stated): ExAC 0.00011; gnomAD exomes 0.00011; TOPMed 0.00013; ESP Exome Variant Server 0.00015; gnomAD 0.00015.

Submission:

CeGaT Center for Human Genetics Tuebingen
Classification: Likely benign. Last evaluated: 2024-02-01. Review status: criteria provided, single submitter. Criteria: CeGaT Center For Human Genetics Tuebingen Variant Classification Criteria Version 2. Collection method: clinical testing. Allele origin: germline. Affected: yes. Observed: 1 variant allele.
Comment: CXCR1: BP4

NM_000634.3(CXCR1):c.447G>A (p.Lys149=)

Gene: CXCR1 (C-X-C motif chemokine receptor 1; minus strand). Cytogenetic location: 2q35.
Variant type: single nucleotide variant.
Coding change: c.447G>A on transcript NM_000634.3 (MANE Select); coding-DNA position 447, G replaced by A.
Protein change: p.Lys149=; no amino-acid change (lysine 149 retained).
Molecular consequence: synonymous variant.
Genome position (GRCh38, 1-based): chr2:218,164,765, C>T on the plus strand (G>A on the coding strand, the complement: CXCR1 is on the minus strand). VCF-style: chr2-218164765-C-T. GRCh37 (hg19) VCF-style: chr2-219029488-C-T.
Identifiers: ClinVar variation 3024980 (VCV003024980.22), dbSNP rs141964112, ClinGen allele CA2102021.